The following is an entry in ClinVar:

ClinVar aggregate classification (germline): Conflicting classifications of pathogenicity. Review status: criteria provided, conflicting classifications (1 of 4 stars). 5 submissions from 5 submitters: Uncertain significance (2); Benign (1); Likely benign (2). Last evaluated 2026-01-26.

Conditions:
Congenital stationary night blindness 1F. Also called: Night blindness, congenital stationary (complete), 1F, autosomal recessive. Identifiers: Orphanet 215, MedGen C3554399, MONDO:0014026, OMIM 615058.

Submissions (5):

Labcorp Genetics (formerly Invitae), Labcorp
Classification: Benign. Last evaluated: 2026-01-26. Review status: criteria provided, single submitter. Criteria: Invitae Variant Classification Sherloc (09022015). Collection method: clinical testing. Allele origin: germline.

CeGaT Center for Human Genetics Tuebingen
Classification: Likely benign. Last evaluated: 2025-11-01. Review status: criteria provided, single submitter. Criteria: CeGaT Center For Human Genetics Tuebingen Variant Classification Criteria Version 2. Collection method: clinical testing. Allele origin: germline. Affected: yes. Observed: 3 variant alleles.
Comment: LRIT3: PM4:Supporting, BS2

Blueprint Genetics
Classification: Likely benign. Last evaluated: 2024-11-19. Review status: criteria provided, single submitter. Criteria: ACMG Guidelines, 2015. Collection method: clinical testing. Allele origin: germline.

Department of Pathology and Laboratory Medicine, Sinai Health System
Classification: Uncertain significance for Congenital stationary night blindness 1F. Last evaluated: 2023-02-24. Review status: criteria provided, single submitter. Criteria: ACMG Guidelines, 2015. Collection method: research. Allele origin: germline.

Eurofins Ntd Llc (ga)
Classification: Uncertain significance. Last evaluated: 2017-11-10. Review status: criteria provided, single submitter. Criteria: EGL Classification Definitions 2015. Collection method: clinical testing. Allele origin: germline.

NM_198506.5(LRIT3):c.1752_1754del (p.Leu585del)

Gene: LRIT3 (leucine rich repeat, Ig-like and transmembrane domains 3; plus strand). Cytogenetic location: 4q25.
Variant type: Deletion.
Coding change: c.1752_1754del on transcript NM_198506.5 (MANE Select); coding-DNA positions 1752 to 1754, 3 bases deleted (TCT; older notation c.1752_1754delTCT).
Protein change: p.Leu585del; deletes leucine 585.
Molecular consequence: inframe deletion.
Genome position (GRCh38, 1-based): chr4:109,870,501-109,870,503, TCT deleted; deleting any 3 consecutive bases within chr4:109,870,499-109,870,503 gives the same sequence; the c. name uses the placement nearest the transcript's 3' end. VCF-style (leftmost placement, unchanged base first): chr4-109870498-CCTT-C. GRCh37 (hg19) VCF-style: chr4-110791654-CCTT-C.
Other names: short protein forms L585del.
Identifiers: ClinVar variation 347199 (VCV000347199.43), dbSNP rs145776307, ClinGen allele CA3043250.